The following is an entry in ClinVar:

ClinVar aggregate classification (germline): Uncertain significance (1 of 4 stars; one submission).

Submission:

Ambry Genetics
Classification: Uncertain significance. Last evaluated: 2023-11-22. Review status: criteria provided, single submitter. Criteria: Ambry Variant Classification Scheme 2023. Collection method: clinical testing. Allele origin: germline.
Comment: The p.T1537I variant (also known as c.4610C>T), located in coding exon 40 of the KIF1B gene, results from a C to T substitution at nucleotide position 4610. The threonine at codon 1537 is replaced by isoleucine, an amino acid with similar properties. This amino acid position is highly conserved in available vertebrate species. In addition, the in silico prediction for this alteration is inconclusive. Since supporting evidence is limited at this time, the clinical significance of this alteration remains unclear.

NM_001365951.3(KIF1B):c.4748C>T (p.Thr1583Ile)

Gene: KIF1B (kinesin family member 1B; plus strand). Cytogenetic location: 1p36.22.
Variant type: single nucleotide variant.
Coding change: c.4748C>T on transcript NM_001365951.3 (MANE Select); coding-DNA position 4748, C replaced by T.
Protein change: p.Thr1583Ile; replaces threonine 1583 with isoleucine.
Molecular consequence: missense variant.
Genome position (GRCh38, 1-based): chr1:10,365,644, C>T. VCF-style: chr1-10365644-C-T. GRCh37 (hg19) VCF-style: chr1-10425702-C-T.
Other names: c.4748C>T, p.Thr1583Ile (NM_001365952.1); c.4610C>T, p.Thr1537Ile (NM_015074.3); short protein forms T1537I, T1583I.
Identifiers: ClinVar variation 1741889 (VCV001741889.2), dbSNP rs2521916352, ClinGen allele CA338322537.